The following is an entry in ClinVar:

ClinVar aggregate classification (germline): Uncertain significance (1 of 4 stars; one submission).

Conditions:
Dilated cardiomyopathy 1G (CMD1G). Identifiers: Orphanet 154, MedGen C1858763, MONDO:0011400, OMIM 604145.
Autosomal recessive limb-girdle muscular dystrophy type 2J (LGMDR10). Also called: Limb-girdle muscular dystrophy, type 2J; MUSCULAR DYSTROPHY, LIMB-GIRDLE, AUTOSOMAL RECESSIVE 10. Identifiers: Orphanet 140922, MedGen C1837342, MONDO:0012127, OMIM 608807.

Allele frequency attached by ClinVar (database versions not stated): gnomAD exomes below 0.00001.
gnomAD v4.1: 1 of 1,609,296 alleles (0.000062%); highest among the groups gnomAD compares: Non-Finnish European, 0.000085%; no homozygotes.

Submission:

Labcorp Genetics (formerly Invitae), Labcorp
Classification: Uncertain significance for Dilated cardiomyopathy 1G; Autosomal recessive limb-girdle muscular dystrophy type 2J. Last evaluated: 2020-12-04. Review status: criteria provided, single submitter. Criteria: Invitae Variant Classification Sherloc (09022015). Collection method: clinical testing. Allele origin: germline.
Comment: The asparagine amino acid residue is found in multiple mammalian species, suggesting that this missense change does not adversely affect protein function. These predictions have not been confirmed by published functional studies and their clinical significance is uncertain. This variant is located in the M band of TTN (PMID: 25589632). Variants in this region may be relevant for neuromuscular disorders, but have not been definitively shown to cause cardiomyopathy (PMID: 23975875). In summary, the available evidence is currently insufficient to determine the role of this variant in disease. Therefore, it has been classified as a Variant of Uncertain Significance. Algorithms developed to predict the effect of missense changes on protein structure and function are unavailable for the TTN gene. This variant has not been reported in the literature in individuals with TTN-related conditions. This variant is not present in population databases (ExAC no frequency). This sequence change replaces threonine with asparagine at codon 35491 of the TTN protein (p.Thr35491Asn). There is a small physicochemical difference between threonine and asparagine.

Literature cited by the submitters: PubMed 25589632; PubMed 23975875.

NM_001267550.2(TTN):c.106472C>A (p.Thr35491Asn)

Genes: TTN-AS1 (TTN antisense RNA 1; plus strand), TTN (titin; minus strand). Cytogenetic location: 2q31.2.
Variant type: single nucleotide variant.
Coding change: c.106472C>A on transcript NM_001267550.2 (MANE Select); coding-DNA position 106472, C replaced by A.
Protein change: p.Thr35491Asn; replaces threonine 35491 with asparagine.
Molecular consequence: missense variant.
Genome position (GRCh38, 1-based): chr2:178,530,019, G>T on the plus strand (C>A on the coding strand, the complement: TTN is on the minus strand). VCF-style: chr2-178530019-G-T. GRCh37 (hg19) VCF-style: chr2-179394746-G-T.
Other names: c.101549C>A, p.Thr33850Asn (NM_001256850.1); c.79277C>A, p.Thr26426Asn (NM_003319.4); c.98768C>A, p.Thr32923Asn (NM_133378.4); c.79652C>A, p.Thr26551Asn (NM_133432.3); c.79853C>A, p.Thr26618Asn (NM_133437.4); short protein forms T26426N, T26551N, T33850N, T35491N, T26618N, T32923N.
Identifiers: ClinVar variation 1439560 (VCV001439560.6), dbSNP rs1461069852, ClinGen allele CA349405145.